The following is an entry in ClinVar:

ClinVar aggregate classification (germline): Likely benign (1 of 4 stars; one submission).

Submission:

CeGaT Center for Human Genetics Tuebingen
Classification: Likely benign. Last evaluated: 2023-01-01. Review status: criteria provided, single submitter. Criteria: CeGaT Center For Human Genetics Tuebingen Variant Classification Criteria Version 2. Collection method: clinical testing. Allele origin: germline. Affected: yes. Observed: 1 variant allele.
Comment: SSPOP: BS2

NR_163594.1(SSPO):n.13968T>C

Variant type: single nucleotide variant.
Molecular consequence: non-coding transcript variant (on NR_163594.1).
Genome position: GRCh38 VCF-style: chr7-149824994-T-C. GRCh37 (hg19) VCF-style: chr7-149522083-T-C.
Identifiers: ClinVar variation 2658155 (VCV002658155.23), dbSNP rs377450560, ClinGen allele CA4559855.